The following is an entry in ClinVar:

ClinVar aggregate classification (germline): Uncertain significance (1 of 4 stars; one submission).

Conditions:
Pierson syndrome. Also called: MICROCORIA-CONGENITAL NEPHROTIC SYNDROME. Identifiers: Orphanet 2670, MedGen C1836876, MONDO:0012184, OMIM 609049.
LAMB2-related infantile-onset nephrotic syndrome. Also called: Nephrotic Syndrome, type 5; NEPHROTIC SYNDROME, TYPE 5, WITHOUT OCULAR ABNORMALITIES; NEPHROTIC SYNDROME, TYPE 5, WITH OCULAR ABNORMALITIES. Identifiers: Orphanet 306507, MedGen C3280113, MONDO:0013621, OMIM 614199.

Allele frequency attached by ClinVar (database versions not stated): 1000 Genomes Project 30x 0.00062; 1000 Genomes Project 0.00080.
gnomAD v4.1: 10 of 1,613,992 alleles (0.00062%); highest among the groups gnomAD compares: South Asian, 0.0099%; no homozygotes.

Submissions (2):

Labcorp Genetics (formerly Invitae), Labcorp
Classification: Uncertain significance for LAMB2-related infantile-onset nephrotic syndrome; Pierson syndrome. Last evaluated: 2022-12-02. Review status: criteria provided, single submitter. Criteria: Invitae Variant Classification Sherloc (09022015). Collection method: clinical testing. Allele origin: germline.
Comment: This variant is present in population databases (rs146643686, gnomAD 0.01%). In summary, the available evidence is currently insufficient to determine the role of this variant in disease. Therefore, it has been classified as a Variant of Uncertain Significance. Algorithms developed to predict the effect of missense changes on protein structure and function are either unavailable or do not agree on the potential impact of this missense change (SIFT: "Deleterious"; PolyPhen-2: "Benign"; Align-GVGD: "Class C0"). ClinVar contains an entry for this variant (Variation ID: 967647). This variant has not been reported in the literature in individuals affected with LAMB2-related conditions. This sequence change replaces aspartic acid, which is acidic and polar, with glutamic acid, which is acidic and polar, at codon 419 of the LAMB2 protein (p.Asp419Glu).

Dr. Peter K. Rogan Lab, Western University
No classification provided (evidence only). Condition: Cervical cancer. Review status: no classification provided. Collection method: in vitro. Allele origin: not applicable. Functional consequence: retained intron. Not counted in ClinVar's aggregate classification.

NM_002292.4(LAMB2):c.1257C>A (p.Asp419Glu)

Gene: LAMB2 (laminin subunit beta 2; minus strand). Cytogenetic location: 3p21.31.
Variant type: single nucleotide variant.
Coding change: c.1257C>A on transcript NM_002292.4 (MANE Select); coding-DNA position 1257, C replaced by A.
Protein change: p.Asp419Glu; replaces aspartic acid 419 with glutamic acid.
Molecular consequence: missense variant.
Genome position (GRCh38, 1-based): chr3:49,129,987, G>T on the plus strand (C>A on the coding strand, the complement: LAMB2 is on the minus strand). VCF-style: chr3-49129987-G-T. GRCh37 (hg19) VCF-style: chr3-49167420-G-T.
Other names: short protein forms D419E.
Identifiers: ClinVar variation 967647 (VCV000967647.8), dbSNP rs146643686, ClinGen allele CA2394644.